The following is an entry in ClinVar:

NM_145262.4(GLYCTK):c.445C>T (p.Arg149Cys)

Gene: GLYCTK (glycerate kinase; plus strand). Cytogenetic location: 3p21.2.
Variant type: single nucleotide variant.
Coding change: c.445C>T on transcript NM_145262.4 (MANE Select); coding-DNA position 445, C replaced by T.
Protein change: p.Arg149Cys; replaces arginine 149 with cysteine.
Molecular consequence: missense variant. On other transcripts: non-coding transcript variant (4).
Genome position (GRCh38, 1-based): chr3:52,291,027, C>T. VCF-style: chr3-52291027-C-T. GRCh37 (hg19) VCF-style: chr3-52325043-C-T.
Other names: c.445C>T, p.Arg149Cys (NM_001144951.2); short protein forms R149C.
Identifiers: ClinVar variation 2083706 (VCV002083706.3), dbSNP rs755373784, ClinGen allele CA2432083.

ClinVar aggregate classification (germline): Uncertain significance. Review status: criteria provided, multiple submitters, no conflicts (2 of 4 stars). 2 submissions from 2 submitters: Uncertain significance (2). Last evaluated 2024-08-19.

Allele frequency attached by ClinVar (database versions not stated): ExAC 0.00006; TOPMed 0.00011.

Submissions (2):

Ambry Genetics
Classification: Uncertain significance. Last evaluated: 2024-08-19. Review status: criteria provided, single submitter. Criteria: Ambry Variant Classification Scheme 2023. Collection method: clinical testing. Allele origin: germline.

Labcorp Genetics (formerly Invitae), Labcorp
Classification: Uncertain significance. Last evaluated: 2022-07-28. Review status: criteria provided, single submitter. Criteria: Invitae Variant Classification Sherloc (09022015). Collection method: clinical testing. Allele origin: germline.
Comment: This sequence change replaces arginine, which is basic and polar, with cysteine, which is neutral and slightly polar, at codon 149 of the GLYCTK protein (p.Arg149Cys). This variant is present in population databases (rs755373784, gnomAD 0.09%). This variant has not been reported in the literature in individuals affected with GLYCTK-related conditions. Algorithms developed to predict the effect of missense changes on protein structure and function are either unavailable or do not agree on the potential impact of this missense change (SIFT: "Deleterious"; PolyPhen-2: "Possibly Damaging"; Align-GVGD: "Class C15"). In summary, the available evidence is currently insufficient to determine the role of this variant in disease. Therefore, it has been classified as a Variant of Uncertain Significance.